The following is an entry in ClinVar:

NM_020297.4(ABCC9):c.3567-29_3567-16del

Genes: ABCC9 (ATP binding cassette subfamily C member 9; minus strand), KCNJ8-AS1 (KCNJ8 antisense RNA 1; plus strand). Cytogenetic location: 12p12.1.
Variant type: Deletion.
Coding change: c.3567-29_3567-16del on transcript NM_020297.4 (MANE Select); 29 bases into the intron before coding-DNA position 3567 through 16 bases into the intron before coding-DNA position 3567, 14 bases deleted (GGTTAACATCGTGT).
Molecular consequence: intron variant.
Genome position (GRCh38, 1-based): chr12:21,829,076-21,829,089, ACACGATGTTAACC deleted on the plus strand (GGTTAACATCGTGT on the coding strand, the reverse complement: ABCC9 is on the minus strand); deleting any 14 consecutive bases within chr12:21,829,076-21,829,093 gives the same sequence; the c. name uses the placement nearest the transcript's 3' end. VCF-style (leftmost placement, unchanged base first): chr12-21829075-AACACGATGTTAACC-A. GRCh37 (hg19) VCF-style: chr12-21982009-AACACGATGTTAACC-A.
Other names: c.2700-29_2700-16del (NM_001377274.1); c.3567-29_3567-16del (NM_005691.4, NM_001377273.1).
Identifiers: ClinVar variation 3633118 (VCV003633118.2).

ClinVar aggregate classification (germline): Uncertain significance (1 of 4 stars; one submission).

Conditions:
Dilated cardiomyopathy 1O (CMD1O). Also called: CARDIOMYOPATHY, DILATED, WITH VENTRICULAR TACHYCARDIA. Identifiers: Orphanet 154, MedGen C1837839, MONDO:0012062, OMIM 608569.

Submission:

Labcorp Genetics (formerly Invitae), Labcorp
Classification: Uncertain significance for Dilated cardiomyopathy 1O. Last evaluated: 2024-09-19. Review status: criteria provided, single submitter. Criteria: Invitae Variant Classification Sherloc (09022015). Collection method: clinical testing. Allele origin: germline.
Comment: This sequence change falls in intron 28 of the ABCC9 gene. It does not directly change the encoded amino acid sequence of the ABCC9 protein. This variant is present in population databases (rs749235749, gnomAD 0.0009%). This variant has not been reported in the literature in individuals affected with ABCC9-related conditions. Experimental studies and prediction algorithms are not available or were not evaluated, and the effect of this variant on mRNA splicing is currently unknown. In summary, the available evidence is currently insufficient to determine the role of this variant in disease. Therefore, it has been classified as a Variant of Uncertain Significance.